The following is an entry in ClinVar:

NM_003998.4(NFKB1):c.2561C>A (p.Ala854Asp)

Gene: NFKB1 (nuclear factor kappa B subunit 1; plus strand). Cytogenetic location: 4q24.
Variant type: single nucleotide variant.
Coding change: c.2561C>A on transcript NM_003998.4 (MANE Select); coding-DNA position 2561, C replaced by A.
Protein change: p.Ala854Asp; replaces alanine 854 with aspartic acid.
Molecular consequence: missense variant.
Genome position (GRCh38, 1-based): chr4:102,612,575, C>A. VCF-style: chr4-102612575-C-A. GRCh37 (hg19) VCF-style: chr4-103533732-C-A.
Other names: c.2558C>A, p.Ala853Asp (NM_001165412.2, NM_001319226.2, NM_001382627.1); c.2561C>A, p.Ala854Asp (NM_001382625.1, NM_001382626.1); c.2519C>A, p.Ala840Asp (NM_001382628.1); short protein forms A840D, A853D, A854D.
Identifiers: ClinVar variation 2002818 (VCV002002818.4), dbSNP rs547514307, ClinGen allele CA3026458.

ClinVar aggregate classification (germline): Uncertain significance (1 of 4 stars; one submission).

Allele frequency attached by ClinVar (database versions not stated): 1000 Genomes Project 0.00020; ExAC 0.00002; gnomAD 0.00001; 1000 Genomes Project 30x 0.00016.
gnomAD v4.1: 12 of 1,613,898 alleles (0.00074%); highest among the groups gnomAD compares: South Asian, 0.012%; no homozygotes.

Submission:

Labcorp Genetics (formerly Invitae), Labcorp
Classification: Uncertain significance. Last evaluated: 2025-12-01. Review status: criteria provided, single submitter. Criteria: Invitae Variant Classification Sherloc (09022015). Collection method: clinical testing. Allele origin: germline.
Comment: This sequence change replaces alanine, which is neutral and non-polar, with aspartic acid, which is acidic and polar, at codon 854 of the NFKB1 protein (p.Ala854Asp). This variant is present in population databases (rs547514307, gnomAD 0.01%). This variant has not been reported in the literature in individuals affected with NFKB1-related conditions. ClinVar contains an entry for this variant (Variation ID: 2002818). Invitae Evidence Modeling of protein sequence and biophysical properties (such as structural, functional, and spatial information, amino acid conservation, physicochemical variation, residue mobility, and thermodynamic stability) indicates that this missense variant is not expected to disrupt NFKB1 protein function with a negative predictive value of 80%. In summary, the available evidence is currently insufficient to determine the role of this variant in disease. Therefore, it has been classified as a Variant of Uncertain Significance.